The following is an entry in ClinVar:

ClinVar aggregate classification (germline): Likely benign (1 of 4 stars; one submission).

Allele frequency attached by ClinVar (database versions not stated): gnomAD 0.00200; gnomAD exomes 0.00260; 1000 Genomes Project 30x 0.00297.
gnomAD v4.1: 4,068 of 1,593,236 alleles (0.26%); highest among the groups gnomAD compares: Non-Finnish European, 0.3%; 389 homozygotes.

Submission:

CeGaT Center for Human Genetics Tuebingen
Classification: Likely benign. Last evaluated: 2023-07-01. Review status: criteria provided, single submitter. Criteria: CeGaT Center For Human Genetics Tuebingen Variant Classification Criteria Version 2. Collection method: clinical testing. Allele origin: germline. Affected: yes. Observed: 3 variant alleles.
Comment: PCDHA9: BP4, BS2

NM_031857.2(PCDHA9):c.286T>G (p.Cys96Gly)

Genes: PCDHA1 (protocadherin alpha 1; plus strand), PCDHA2 (protocadherin alpha 2; plus strand), PCDHA3 (protocadherin alpha 3; plus strand), PCDHA4 (protocadherin alpha 4; plus strand), PCDHA5 (protocadherin alpha 5; plus strand) and 5 more. Cytogenetic location: 5q31.3.
Variant type: single nucleotide variant.
Coding change: c.286T>G on transcript NM_031857.2 (MANE Select); coding-DNA position 286, T replaced by G.
Protein change: p.Cys96Gly; replaces cysteine 96 with glycine.
Molecular consequence: missense variant. On other transcripts: intron variant (10).
Genome position (GRCh38, 1-based): chr5:140,848,781, T>G. VCF-style: chr5-140848781-T-G. GRCh37 (hg19) VCF-style: chr5-140228366-T-G.
Other names: c.2394+45190T>G (NM_018906.3); c.2385+39209T>G (NM_018907.4); c.2352+24654T>G (NM_018908.3); c.2394+18296T>G (NM_018909.4); c.1602+19088T>G (NM_031849.3); c.2355+12043T>G (NM_018910.3); c.2394+5066T>G (NM_018911.3); c.286T>G, p.Cys96Gly (NM_014005.5); and 3 more; short protein forms C96G.
Identifiers: ClinVar variation 2655772 (VCV002655772.22), dbSNP rs146253628, ClinGen allele CA3450182.
Genomic context (GRCh38, chr5:140,848,781, plus strand): 5'-GAGGTAAATCTGCAGAATGGCATTTTGTTTGTGAATTCTCGGATCGACCGCGAGGAGCTG[T>G]GCGGGCGGAGCGCGGAGTGCAGCATCCACCTGGAGGTGATCGTAGACAGGCCGCTGCAGG-3'
Protein context (NP_114063.1, residues 86-106): VNSRIDREEL[Cys96Gly]GRSAECSIHL